The following is an entry in ClinVar:

ClinVar aggregate classification (germline): Benign/Likely benign. Review status: criteria provided, multiple submitters, no conflicts (2 of 4 stars). 3 submissions from 3 submitters: Benign (2); Likely benign (1). Last evaluated 2025-11-01.

Allele frequency attached by ClinVar (database versions not stated): gnomAD exomes 0.00024; ExAC 0.00031; ESP Exome Variant Server 0.00077; gnomAD 0.00082 and 0.00088; TOPMed 0.00095; 1000 Genomes Project 0.00140; 1000 Genomes Project 30x 0.00141.
gnomAD v4.1: 271 of 1,613,722 alleles (0.017%); highest among the groups gnomAD compares: African/African-American, 0.26%; 1 homozygote.

Submissions (3):

CeGaT Center for Human Genetics Tuebingen
Classification: Likely benign. Last evaluated: 2025-11-01. Review status: criteria provided, single submitter. Criteria: CeGaT Center For Human Genetics Tuebingen Variant Classification Criteria Version 2. Collection method: clinical testing. Allele origin: germline. Affected: yes. Observed: 1 variant allele.
Comment: ANK3: BP4, BP7

Labcorp Genetics (formerly Invitae), Labcorp
Classification: Benign. Last evaluated: 2024-10-16. Review status: criteria provided, single submitter. Criteria: Invitae Variant Classification Sherloc (09022015). Collection method: clinical testing. Allele origin: germline.

Breakthrough Genomics
Classification: Benign. Review status: criteria provided, single submitter. Criteria: ACMG Guidelines, 2015. Collection method: not provided. Allele origin: germline. Inheritance: Autosomal recessive inheritance. Affected: yes.

NM_020987.5(ANK3):c.6354C>T (p.His2118=)

Gene: ANK3 (ankyrin 3; minus strand). Cytogenetic location: 10q21.2.
Variant type: single nucleotide variant.
Coding change: c.6354C>T on transcript NM_020987.5 (MANE Select); coding-DNA position 6354, C replaced by T.
Protein change: p.His2118=; no amino-acid change (histidine 2118 retained).
Molecular consequence: synonymous variant. On other transcripts: intron variant (4).
Genome position (GRCh38, 1-based): chr10:60,074,527, G>A on the plus strand (C>T on the coding strand, the complement: ANK3 is on the minus strand). VCF-style: chr10-60074527-G-A. GRCh37 (hg19) VCF-style: chr10-61834285-G-A.
Other names: c.4387+6010C>T (NM_001204403.2); c.4408+6010C>T (NM_001204404.2); c.4405+6010C>T (NM_001320874.2); c.1807+6010C>T (NM_001149.4).
Identifiers: ClinVar variation 722392 (VCV000722392.17), dbSNP rs116585069, ClinGen allele CA5511898.
Genomic context (GRCh38, chr10:60,074,527, plus strand): 5'-AGGTGTCTTTTCACTTCTTGTTTCAAAGCCACTGTCAGACAAGGGACTTTTATCTTGGTC[G>A]TGTTGAGAAAAGTCATCAGGAGACTCTAAAATAGTATCTGTTCCAAAAAAGGAATCAGCC-3'
Protein context (NP_066267.2, residues 2108-2128): ILESPDDFSQ[His2118=]DQDKSPLSDS